The following is an entry in ClinVar:

NM_012193.4(FZD4):c.1598G>A (p.Ser533Asn)

Genes: FZD4 (frizzled class receptor 4; minus strand), PRSS23 (serine protease 23; plus strand). Cytogenetic location: 11q14.2.
Variant type: single nucleotide variant.
Coding change: c.1598G>A on transcript NM_012193.4 (MANE Select); coding-DNA position 1598, G replaced by A.
Protein change: p.Ser533Asn; replaces serine 533 with asparagine.
Molecular consequence: missense variant.
Genome position (GRCh38, 1-based): chr11:86,951,158, C>T on the plus strand (G>A on the coding strand, the complement: FZD4 is on the minus strand). VCF-style: chr11-86951158-C-T. GRCh37 (hg19) VCF-style: chr11-86662200-C-T.
Other names: short protein forms S533N.
Identifiers: ClinVar variation 1392369 (VCV001392369.6), dbSNP rs2135039562, ClinGen allele CA382010803.

ClinVar aggregate classification (germline): Uncertain significance (1 of 4 stars; one submission).

Submission:

Labcorp Genetics (formerly Invitae), Labcorp
Classification: Uncertain significance. Last evaluated: 2022-05-03. Review status: criteria provided, single submitter. Criteria: Invitae Variant Classification Sherloc (09022015). Collection method: clinical testing. Allele origin: germline.
Comment: In summary, the available evidence is currently insufficient to determine the role of this variant in disease. Therefore, it has been classified as a Variant of Uncertain Significance. Algorithms developed to predict the effect of missense changes on protein structure and function output the following: SIFT: "Tolerated"; PolyPhen-2: "Benign"; Align-GVGD: "Class C0". The asparagine amino acid residue is found in multiple mammalian species, which suggests that this missense change does not adversely affect protein function. This variant has not been reported in the literature in individuals affected with FZD4-related conditions. This variant is not present in population databases (gnomAD no frequency). This sequence change replaces serine, which is neutral and polar, with asparagine, which is neutral and polar, at codon 533 of the FZD4 protein (p.Ser533Asn).